The following is an entry in ClinVar:

NM_001160148.2(DDHD1):c.268G>A (p.Asp90Asn)

Gene: DDHD1 (DDHD domain containing 1; minus strand). Cytogenetic location: 14q22.1.
Variant type: single nucleotide variant.
Coding change: c.268G>A on transcript NM_001160148.2 (MANE Select); coding-DNA position 268, G replaced by A.
Protein change: p.Asp90Asn; replaces aspartic acid 90 with asparagine.
Molecular consequence: missense variant.
Genome position (GRCh38, 1-based): chr14:53,152,831, C>T on the plus strand (G>A on the coding strand, the complement: DDHD1 is on the minus strand). VCF-style: chr14-53152831-C-T. GRCh37 (hg19) VCF-style: chr14-53619549-C-T.
Other names: c.268G>A, p.Asp90Asn (NM_001160147.2, NM_030637.3); short protein forms D90N.
Identifiers: ClinVar variation 1930249 (VCV001930249.5), dbSNP rs1057508737, ClinGen allele CA261383507.
Genomic context (GRCh38, chr14:53,152,831, plus strand): 5'-CGCCGCTCTCACCCTCGCTGTAGTAGCGCAGCGAGGAGCCCGACTCGGCGGAGCTGAAGT[C>T]ATAGTTCTCGTCACTGAGGCAGGGGTCCAGCGCGAGGTGGTGGTTGTGGTCGTCGGTGCC-3'
Protein context (NP_001153620.1, residues 80-100): LDPCLSDENY[Asp90Asn]FSSAESGSSL

ClinVar aggregate classification (germline): Uncertain significance (1 of 4 stars; one submission).

Conditions:
Hereditary spastic paraplegia 28. Also called: Spastic paraplegia 28, autosomal recessive. Identifiers: Orphanet 101008, MedGen C1836295, MONDO:0012256, OMIM 609340.

Submission:

Labcorp Genetics (formerly Invitae), Labcorp
Classification: Uncertain significance for Hereditary spastic paraplegia 28. Last evaluated: 2022-08-21. Review status: criteria provided, single submitter. Criteria: Invitae Variant Classification Sherloc (09022015). Collection method: clinical testing. Allele origin: germline.
Comment: This variant is not present in population databases (gnomAD no frequency). This sequence change replaces aspartic acid, which is acidic and polar, with asparagine, which is neutral and polar, at codon 90 of the DDHD1 protein (p.Asp90Asn). This variant has not been reported in the literature in individuals affected with DDHD1-related conditions. In summary, the available evidence is currently insufficient to determine the role of this variant in disease. Therefore, it has been classified as a Variant of Uncertain Significance. Algorithms developed to predict the effect of missense changes on protein structure and function are either unavailable or do not agree on the potential impact of this missense change (SIFT: "Tolerated"; PolyPhen-2: "Possibly Damaging"; Align-GVGD: "Class C0").